The following is an entry in ClinVar:

ClinVar aggregate classification (germline): Pathogenic (1 of 4 stars; one submission).

Conditions:
Joubert syndrome 18 (JBTS18). Identifiers: Orphanet 2754, MedGen C3553758, MONDO:0013896, OMIM 614815.
Orofacial-digital syndrome IV (OFD4). Also called: BARAITSER-BURN SYNDROME; OFD SYNDROME WITH TIBIAL DEFECTS; OFD SYNDROME, BARAITSER-BURN TYPE; OFDS IV; ORAL-FACIAL-DIGITAL SYNDROME, TYPE IV; Orofaciodigital syndrome IV. Identifiers: Orphanet 2753, MedGen C0406727, MONDO:0009794, OMIM 258860.

Submission:

Labcorp Genetics (formerly Invitae), Labcorp
Classification: Pathogenic for Joubert syndrome 18; Orofacial-digital syndrome IV. Last evaluated: 2022-06-26. Review status: criteria provided, single submitter. Criteria: Invitae Variant Classification Sherloc (09022015). Collection method: clinical testing. Allele origin: germline.
Comment: For these reasons, this variant has been classified as Pathogenic. This variant has not been reported in the literature in individuals affected with TCTN3-related conditions. This variant is present in population databases (rs747710152, gnomAD 0.004%). This sequence change creates a premature translational stop signal (p.Gly409Valfs*16) in the TCTN3 gene. It is expected to result in an absent or disrupted protein product. Loss-of-function variants in TCTN3 are known to be pathogenic (PMID: 2692869, 22883145, 25118024).

Literature cited by the submitters: PubMed 2692869; PubMed 22883145; PubMed 25118024.

NM_015631.6(TCTN3):c.1226del (p.Gly409fs)

Gene: TCTN3 (tectonic family member 3; minus strand). Cytogenetic location: 10q24.1.
Variant type: Deletion.
Coding change: c.1226del on transcript NM_015631.6 (MANE Select); coding-DNA position 1226, one base deleted (G; older notation c.1226delG).
Protein change: p.Gly409fs; shifts the reading frame from glycine 409.
Molecular consequence: frameshift variant.
Genome position (GRCh38, 1-based): chr10:95,683,173, C deleted on the plus strand (G on the coding strand, the reverse complement: TCTN3 is on the minus strand); the first of 3 consecutive C bases (chr10:95,683,173-95,683,175); deleting any one gives the same sequence. VCF-style (leftmost placement, unchanged base first): chr10-95683172-AC-A. GRCh37 (hg19) VCF-style: chr10-97442929-AC-A.
Other names: c.1278delG, p.Gly427Valfs (NM_001013840.1); c.782del, p.Gly261fs (NM_001143973.2); c.1128delG, p.Gly377Valfs (NM_001410982.1); short protein forms G261fs, G409fs.
Identifiers: ClinVar variation 2010930 (VCV002010930.4), dbSNP rs747710152, ClinGen allele CA5620896.
Genomic context (GRCh38, chr10:95,683,172, plus strand): 5'-TCCAGATATTGCATTCACTCCAAACTGCACTTCATGTCTTTTAACAGAGCAACTTCCATT[AC>A]CCTGGCTCTGTAAGAGGGTCATCCAAGGTGGAAAAGTGATGATCAAGGACATCATAACAG-3'